The following is an entry in ClinVar:

ClinVar aggregate classification (germline): Uncertain significance. Review status: criteria provided, single submitter (1 of 4 stars). 2 submissions from 2 submitters: Uncertain significance (1). 1 of the submissions does not count toward it. Last evaluated 2025-08-13.

Conditions:
EPPK1-related disorder. Also called: EPPK1-related condition.

Allele frequency attached by ClinVar (database versions not stated): gnomAD exomes 0.00008; ExAC 0.00030; gnomAD 0.00066; TOPMed 0.00073; ESP Exome Variant Server 0.00095.
gnomAD v4.1: 207 of 1,607,610 alleles (0.013%); highest among the groups gnomAD compares: African/African-American, 0.2%; 1 homozygote.

Submissions (2):

Ambry Genetics
Classification: Uncertain significance. Last evaluated: 2025-08-13. Review status: criteria provided, single submitter. Criteria: Ambry Variant Classification Scheme 2023. Collection method: clinical testing. Allele origin: germline.

PreventionGenetics, part of Exact Sciences
Classification: Likely benign for EPPK1-related condition. Last evaluated: 2022-12-27. Review status: no assertion criteria provided. Collection method: clinical testing. Allele origin: germline. Not counted in ClinVar's aggregate classification.
Comment: This variant is classified as likely benign based on ACMG/AMP sequence variant interpretation guidelines (Richards et al. 2015 PMID: 25741868, with internal and published modifications).

NM_031308.4(EPPK1):c.2651G>A (p.Arg884Gln)

Gene: EPPK1 (epiplakin 1; minus strand). Cytogenetic location: 8q24.3.
Variant type: single nucleotide variant.
Coding change: c.2651G>A on transcript NM_031308.4 (MANE Select); coding-DNA position 2651, G replaced by A.
Protein change: p.Arg884Gln; replaces arginine 884 with glutamine.
Molecular consequence: missense variant.
Genome position (GRCh38, 1-based): chr8:143,870,603, C>T on the plus strand (G>A on the coding strand, the complement: EPPK1 is on the minus strand). VCF-style: chr8-143870603-C-T. GRCh37 (hg19) VCF-style: chr8-144944771-C-T.
Other names: c.2651G>A (NM_031308.1); short protein forms R884Q.
Identifiers: ClinVar variation 3054328 (VCV003054328.3), dbSNP rs201462183, ClinGen allele CA4922996.
Genomic context (GRCh38, chr8:143,870,603, plus strand): 5'-TCCAACAGCTGCTGGTCAATGATACCGGCCTCCAGGAGCTGGTGGACGGTGACCCGGCTC[C>T]GCAGTGCGGGCAGCATGATGTCCGCCTGTCTCTGCGTCTCCGCCTCCAGCAGCTTTGCCA-3'
Protein context (NP_112598.3, residues 874-894): RQADIMLPAL[Arg884Gln]SRVTVHQLLE